The following is an entry in ClinVar:

ClinVar aggregate classification (germline): Uncertain significance (1 of 4 stars; one submission).

Conditions:
Inborn genetic diseases. Identifiers: MedGen C0950123, MeSH D030342.

gnomAD v4.1: 35 of 1,613,968 alleles (0.0022%); highest among the groups gnomAD compares: Admixed American, 0.027%; no homozygotes.

Submission:

Ambry Genetics
Classification: Uncertain significance for Inborn genetic diseases. Last evaluated: 2026-07-08. Review status: criteria provided, single submitter. Criteria: Ambry Variant Classification Scheme 2023. Collection method: clinical testing. Allele origin: germline.
Comment: The c.1046G>A (p.R349Q) alteration is located in exon 9 (coding exon 9) of the PDE8B gene. This alteration results from a G to A substitution at nucleotide position 1046, causing the arginine (R) at amino acid position 349 to be replaced by a glutamine (Q). Based on data from gnomAD, the A allele has an overall frequency of 0.003% (7/251342) total alleles studied. The highest observed frequency was 0.016% (1/6132) of Other alleles. Based on insufficient or conflicting evidence, the clinical significance of this alteration remains unclear.

NM_003719.5(PDE8B):c.1046G>A (p.Arg349Gln)

Gene: PDE8B (phosphodiesterase 8B; plus strand). Cytogenetic location: 5q13.3.
Variant type: single nucleotide variant.
Coding change: c.1046G>A on transcript NM_003719.5 (MANE Select); coding-DNA position 1046, G replaced by A.
Protein change: p.Arg349Gln; replaces arginine 349 with glutamine.
Molecular consequence: missense variant. On other transcripts: intron variant (6).
Genome position (GRCh38, 1-based): chr5:77,351,093, G>A. VCF-style: chr5-77351093-G-A. GRCh37 (hg19) VCF-style: chr5-76646918-G-A.
Other names: c.674G>A, p.Arg225Gln (NM_001376068.1, NM_001414622.1, NM_001414623.1 and 2 more transcripts); c.662G>A, p.Arg221Gln (NM_001376069.1); c.602G>A, p.Arg201Gln (NM_001376070.1); c.599G>A, p.Arg200Gln (NM_001376071.1); c.743G>A, p.Arg248Gln (NM_001376072.1, NM_001376062.1); c.573+6162G>A (NM_001376073.1); c.513+6162G>A (NM_001376074.1); c.504+6162G>A (NM_001376075.1); and 11 more; short protein forms R221Q, R269Q, R329Q, R228Q, R200Q, R225Q, R247Q, R348Q.
Identifiers: ClinVar variation 5026378 (VCV005026378.1).